The following is an entry in ClinVar:

ClinVar aggregate classification (germline): Uncertain significance (1 of 4 stars; one submission).

Submission:

Labcorp Genetics (formerly Invitae), Labcorp
Classification: Uncertain significance. Last evaluated: 2022-02-09. Review status: criteria provided, single submitter. Criteria: Invitae Variant Classification Sherloc (09022015). Collection method: clinical testing. Allele origin: germline.
Comment: In summary, the available evidence is currently insufficient to determine the role of this variant in disease. Therefore, it has been classified as a Variant of Uncertain Significance. Variants that disrupt the consensus splice site are a relatively common cause of aberrant splicing (PMID: 17576681, 9536098). Algorithms developed to predict the effect of sequence changes on RNA splicing suggest that this variant is not likely to affect RNA splicing. This variant has not been reported in the literature in individuals affected with MYO7A-related conditions. This variant is not present in population databases (gnomAD no frequency). This sequence change falls in intron 22 of the MYO7A gene. It does not directly change the encoded amino acid sequence of the MYO7A protein. It affects a nucleotide within the consensus splice site.

Literature cited by the submitters: PubMed 17576681; PubMed 9536098.

NM_000260.4(MYO7A):c.2695-3C>T

Gene: MYO7A (myosin VIIA; plus strand). Cytogenetic location: 11q13.5.
Variant type: single nucleotide variant.
Coding change: c.2695-3C>T on transcript NM_000260.4 (MANE Select); 3 bases into the intron before coding-DNA position 2695, C replaced by T.
Molecular consequence: intron variant.
Genome position (GRCh38, 1-based): chr11:77,181,377, C>T. VCF-style: chr11-77181377-C-T. GRCh37 (hg19) VCF-style: chr11-76892423-C-T.
Other names: c.2662-3C>T (NM_001369365.1); c.2695-3C>T (NM_001127180.2).
Identifiers: ClinVar variation 2095649 (VCV002095649.4), dbSNP rs2497201333, ClinGen allele CA2574931234.